The following is an entry in ClinVar:

NM_015057.5(MYCBP2):c.6458A>T (p.Glu2153Val)

Gene: MYCBP2 (MYC binding protein 2; minus strand). Cytogenetic location: 13q22.3.
Variant type: single nucleotide variant.
Coding change: c.6458A>T on transcript NM_015057.5 (MANE Select); coding-DNA position 6458, A replaced by T.
Protein change: p.Glu2153Val; replaces glutamic acid 2153 with valine.
Molecular consequence: missense variant.
Genome position (GRCh38, 1-based): chr13:77,165,274, T>A on the plus strand (A>T on the coding strand, the complement: MYCBP2 is on the minus strand). VCF-style: chr13-77165274-T-A. GRCh37 (hg19) VCF-style: chr13-77739409-T-A.
Other names: short protein forms E2153V.
Identifiers: ClinVar variation 2500478 (VCV002500478.1), dbSNP rs2548947993, ClinGen allele CA388414404.

ClinVar aggregate classification (germline): Uncertain significance (1 of 4 stars; one submission).

Allele frequency attached by ClinVar (database versions not stated): gnomAD exomes below 0.00001.
gnomAD v4.1: 1 of 1,590,224 alleles (0.000063%); highest among the groups gnomAD compares: Non-Finnish European, 0.000086%; no homozygotes.

Submission:

GeneDx
Classification: Uncertain significance. Last evaluated: 2022-10-25. Review status: criteria provided, single submitter. Criteria: GeneDx Variant Classification Process June 2021. Collection method: clinical testing. Allele origin: germline. Affected: yes.
Comment: Not observed at significant frequency in large population cohorts (gnomAD); In silico analysis supports that this missense variant has a deleterious effect on protein structure/function; Has not been previously published as pathogenic or benign to our knowledge